The following is an entry in ClinVar:

NM_000321.3(RB1):c.1883C>A (p.Ala628Glu)

Gene: RB1 (RB transcriptional corepressor 1; plus strand). Cytogenetic location: 13q14.2.
Variant type: single nucleotide variant.
Coding change: c.1883C>A on transcript NM_000321.3 (MANE Select); coding-DNA position 1883, C replaced by A.
Protein change: p.Ala628Glu; replaces alanine 628 with glutamic acid.
Molecular consequence: missense variant.
Genome position (GRCh38, 1-based): chr13:48,456,272, C>A. VCF-style: chr13-48456272-C-A. GRCh37 (hg19) VCF-style: chr13-49030408-C-A.
Other names: c.1883C>A, p.Ala628Glu (NM_001407165.1); short protein forms A628E.
Identifiers: ClinVar variation 3231205 (VCV003231205.1), dbSNP rs1329826610, ClinGen allele CA388165985.

ClinVar aggregate classification (germline): Uncertain significance (1 of 4 stars; one submission).

Conditions:
Hereditary cancer-predisposing syndrome. Also called: Neoplastic Syndromes, Hereditary; Tumor predisposition; Hereditary neoplastic syndrome; Hereditary Cancer Syndrome. Identifiers: Orphanet 140162, MedGen C0027672, MeSH D009386, MONDO:0015356.

Submission:

Ambry Genetics
Classification: Uncertain significance for Hereditary cancer-predisposing syndrome. Last evaluated: 2023-11-29. Review status: criteria provided, single submitter. Criteria: Ambry Variant Classification Scheme 2023. Collection method: clinical testing. Allele origin: germline.
Comment: The p.A628E variant (also known as c.1883C>A), located in coding exon 19 of the RB1 gene, results from a C to A substitution at nucleotide position 1883. The alanine at codon 628 is replaced by glutamic acid, an amino acid with dissimilar properties. This amino acid position is conserved. In addition, this alteration is predicted to be tolerated by in silico analysis. Since supporting evidence is limited at this time, the clinical significance of this alteration remains unclear.